The following is an entry in ClinVar:

NM_003491.4(NAA10):c.347G>A (p.Arg116Gln)

Gene: NAA10 (N-alpha-acetyltransferase 10, NatA catalytic subunit; minus strand). Cytogenetic location: Xq28.
Variant type: single nucleotide variant.
Coding change: c.347G>A on transcript NM_003491.4 (MANE Select); coding-DNA position 347, G replaced by A.
Protein change: p.Arg116Gln; replaces arginine 116 with glutamine.
Molecular consequence: missense variant. On other transcripts: intron variant (1).
Genome position (GRCh38, 1-based): chrX:153,932,110, C>T on the plus strand (G>A on the coding strand, the complement: NAA10 is on the minus strand). VCF-style: chrX-153932110-C-T. GRCh37 (hg19) VCF-style: chrX-153197563-C-T.
Other names: c.329G>A, p.Arg110Gln (NM_001256120.2); c.341+206G>A (NM_001256119.2); short protein forms R110Q, R116Q.
Identifiers: ClinVar variation 1326724 (VCV001326724.15), dbSNP rs2065169655, ClinGen allele CA415158728.

ClinVar aggregate classification (germline): Conflicting classifications of pathogenicity. Review status: criteria provided, conflicting classifications (1 of 4 stars). 6 submissions from 6 submitters: Pathogenic (2); Likely pathogenic (2); Uncertain significance (2). Last evaluated 2026-01-20.

Conditions:
Ogden syndrome (OGDNS). Also called: N-TERMINAL ACETYLTRANSFERASE DEFICIENCY. Identifiers: Orphanet 276432, MedGen C3275447, MONDO:0010457, OMIM 300855.
NAA10-related disorder. Also called: NAA10-related condition; NAA10-related disorders.

Submissions (6):

3billion
Classification: Pathogenic for NAA10-related disorder. Last evaluated: 2026-01-20. Review status: criteria provided, single submitter. Criteria: ACMG Guidelines, 2015. Collection method: clinical testing. Allele origin: germline. Affected: yes.
Comment: The variant is not observed in the gnomAD v4.1.0 dataset. Predicted Consequence/Location: Missense variant. Missense changes are a common disease-causing mechanism. In silico tool predictions suggest damaging effect of the variant on gene or gene product [REVEL: 0.23 (>=0.6, sensitivity 0.68 and specificity 0.92); 3Cnet: 0.99 (> 0.75, sensitivity 0.96 and precision 0.92)]. The same nucleotide change resulting in the same amino acid change has been previously reported as pathogenic/likely pathogenic with strong evidence (ClinVar ID: VCV001326724 /PMID: 37130971). A different missense change at the same codon (p.Arg116Trp) has been reported as pathogenic/likely pathogenic with strong evidence (ClinVar ID: VCV000139644 /3billion dataset). Therefore, this variant is classified as Pathogenic according to the recommendation of ACMG/AMP guideline.

Institute of Human Genetics, University of Leipzig Medical Center
Classification: Pathogenic for Ogden syndrome. Last evaluated: 2025-08-05. Review status: criteria provided, single submitter. Criteria: ACMG Guidelines, 2015. Collection method: clinical testing. Allele origin: de novo. Inheritance: X-linked recessive inheritance. Affected: yes.
Comment: Criteria applied: PS2_MOD, PS4_MOD, PM1, PM5, PM2_MOD, PP2

GeneDx
Classification: Likely pathogenic. Last evaluated: 2025-03-07. Review status: criteria provided, single submitter. Criteria: GeneDx Variant Classification Process June 2021. Collection method: clinical testing. Allele origin: germline. Affected: yes.
Comment: In silico analysis supports that this missense variant has a deleterious effect on protein structure/function; Not observed at significant frequency in large population cohorts (gnomAD); This variant is associated with the following publications: (PMID: 39012200, 37130971)

PreventionGenetics, part of Exact Sciences
Classification: Uncertain significance for NAA10-related condition. Last evaluated: 2023-05-15. Review status: criteria provided, single submitter. Criteria: ACMG Guidelines, 2015. Collection method: clinical testing. Allele origin: germline.
Comment: The NAA10 c.347G>A variant is predicted to result in the amino acid substitution p.Arg116Gln. To our knowledge, this variant has not been reported in the literature or in a large population database, indicating this variant is rare. Of note, other variants impacting the same amino acid (p.Arg116Trp and p.Arg116Pro) have been reported as de novo in patients with NAA10-related disorders (Rauch et al. 2012. PubMed ID: 23020937; Table S1 in Baker et al. 2019. PubMed ID: 30577886; Supplementary Table 2 in Martin et al. 2021. PubMed ID: 33504798). Although we suspect that the c.347G>A (p.Arg116Gln) variant may be pathogenic, at this time, the clinical significance of this variant is uncertain due to the absence of conclusive functional and genetic evidence.

Institute of Human Genetics, University of Goettingen
Classification: Likely pathogenic for Ogden syndrome. Last evaluated: 2022-05-20. Review status: criteria provided, single submitter. Criteria: ACMG Guidelines, 2015. Collection method: clinical testing. Allele origin: unknown. Inheritance: X-linked dominant inheritance. Observed: 1 hemizygote.
Comment: For the following reasons, we consider the NAA10 mutation found to be probably pathogenic: a comparison with the gnomAD browser did not provide any evidence that this sequence change is a norm variant that can also be detected in non-affected individuals. The mutation is not currently listed in ClinVar or the HGMD database; A pathogenic mutation (c.346C>T; p.(Arg116Trp)) has already been described at the above amino acid position in affected individuals with intellectual impairment; HGMD: CM129317; Baker SW et al. (2019) J Mol Diagn. 21(1): 38-48). Functional analysis showed that the NAA10 mutant was associated with significantly reduced catalytic activity compared with wild type (Popp B et al. (2015) Eur J Hum Genet. ;23(5): 602-609); the mutation is independently classified as deleterious by four prediction programs; the following ACMG criteria were used for classification: PM2, PM5, PP2, PP3.

Labcorp Genetics (formerly Invitae), Labcorp
Classification: Uncertain significance. Last evaluated: 2021-06-09. Review status: criteria provided, single submitter. Criteria: Invitae Variant Classification Sherloc (09022015). Collection method: clinical testing. Allele origin: germline.
Comment: This sequence change replaces arginine with glutamine at codon 116 of the NAA10 protein (p.Arg116Gln). The arginine residue is highly conserved and there is a small physicochemical difference between arginine and glutamine. This variant is not present in population databases (ExAC no frequency). This variant has not been reported in the literature in individuals with NAA10-related conditions. Algorithms developed to predict the effect of missense changes on protein structure and function are either unavailable or do not agree on the potential impact of this missense change (SIFT: "Deleterious"; PolyPhen-2: "Benign"; Align-GVGD: "Class C0"). This variant disrupts the p.Arg116 amino acid residue in NAA10. Other variant(s) that disrupt this residue have been determined to be pathogenic (PMID: 25099252, 29957440). This suggests that this residue is clinically significant, and that variants that disrupt this residue are likely to be disease-causing. In summary, the available evidence is currently insufficient to determine the role of this variant in disease. Therefore, it has been classified as a Variant of Uncertain Significance.

Literature cited by the submitters: PubMed 37130971 (cited by 3billion); PubMed 25099252 (cited by Labcorp Genetics (formerly Invitae), Labcorp); PubMed 29957440 (cited by Labcorp Genetics (formerly Invitae), Labcorp).